The following is an entry in ClinVar:

ClinVar aggregate classification (germline): Likely pathogenic (1 of 4 stars; one submission).

Submission:

Labcorp Genetics (formerly Invitae), Labcorp
Classification: Likely pathogenic. Last evaluated: 2025-10-10. Review status: criteria provided, single submitter. Criteria: Invitae Variant Classification Sherloc (09022015). Collection method: clinical testing. Allele origin: germline.
Comment: This variant results in the deletion of part of exon 18 (c.2092-482_2092del) of the PCDH15 gene. It is expected to disrupt RNA splicing. Variants that disrupt the donor or acceptor splice site typically lead to a loss of protein function (PMID: 16199547), and loss-of-function variants in PCDH15 are known to be pathogenic (PMID: 11398101, 11487575, 14570705). This variant is not present in population databases (gnomAD no frequency). This variant has not been reported in the literature in individuals affected with PCDH15-related conditions. In summary, the currently available evidence indicates that the variant is pathogenic, but additional data are needed to prove that conclusively. Therefore, this variant has been classified as Likely Pathogenic.

Literature cited by the submitters: PubMed 16199547; PubMed 11398101; PubMed 11487575; PubMed 14570705.

NM_001384140.1(PCDH15):c.2092-482_2092del

Gene: PCDH15 (protocadherin related 15; minus strand). Cytogenetic location: 10q21.1.
Variant type: Deletion.
Coding change: c.2092-482_2092del on transcript NM_001384140.1 (MANE Select); 482 bases into the intron before coding-DNA position 2092 through coding-DNA position 2092, 483 bases deleted.
Molecular consequence: splice acceptor variant.
Genome position (GRCh38, 1-based): chr10:54,066,885-54,067,367, 483 bases deleted. GRCh37 (hg19): chr10:55,826,646-55,827,128.
Other names: c.2092-482_2092del (NM_001354420.2, NM_001354429.2, NM_001142772.2 and 5 more transcripts); c.2107-482_2107del (NM_001142771.2, NM_001142763.2); c.2113-482_2113del (NM_001354411.2); c.2128-482_2128del (NM_001142769.3); c.2026-482_2026del (NM_001354404.2, NM_001142773.2, NM_001142768.2); c.1981-482_1981del (NM_001142767.2); c.1879-482_1879del (NM_001142765.2).
Identifiers: ClinVar variation 2018003 (VCV002018003.4), dbSNP rs2539768950, ClinGen allele CA2580081633.